The following is an entry in ClinVar:

ClinVar aggregate classification (germline): Benign. Review status: criteria provided, multiple submitters, no conflicts (2 of 4 stars). 3 submissions from 3 submitters: Benign (2). 1 of the submissions does not count toward it. Last evaluated 2019-12-31.

Conditions:
DNHD1-related disorder. Also called: DNHD1-related condition.

Allele frequency attached by ClinVar (database versions not stated): gnomAD exomes 0.00097; ExAC 0.00190; gnomAD 0.00481 and 0.00516; TOPMed 0.00548; 1000 Genomes Project 0.00559; 1000 Genomes Project 30x 0.00671.
gnomAD v4.1: 1,365 of 1,551,568 alleles (0.088%); highest among the groups gnomAD compares: African/African-American, 1.6%; 10 homozygotes.

Submissions (3):

Labcorp Genetics (formerly Invitae), Labcorp
Classification: Benign. Last evaluated: 2019-12-31. Review status: criteria provided, single submitter. Criteria: Invitae Variant Classification Sherloc (09022015). Collection method: clinical testing. Allele origin: germline.

Breakthrough Genomics
Classification: Benign. Review status: criteria provided, single submitter. Criteria: ACMG Guidelines, 2015. Collection method: not provided. Allele origin: germline. Inheritance: Autosomal recessive inheritance. Affected: yes.

PreventionGenetics, part of Exact Sciences
Classification: Benign for DNHD1-related condition. Last evaluated: 2019-08-22. Review status: no assertion criteria provided. Collection method: clinical testing. Allele origin: germline. Not counted in ClinVar's aggregate classification.
Comment: This variant is classified as benign based on ACMG/AMP sequence variant interpretation guidelines (Richards et al. 2015 PMID: 25741868, with internal and published modifications).

NM_144666.3(DNHD1):c.8960T>C (p.Leu2987Pro)

Gene: DNHD1 (dynein heavy chain domain 1; plus strand). Cytogenetic location: 11p15.4.
Variant type: single nucleotide variant.
Coding change: c.8960T>C on transcript NM_144666.3 (MANE Select); coding-DNA position 8960, T replaced by C.
Protein change: p.Leu2987Pro; replaces leucine 2987 with proline.
Molecular consequence: missense variant.
Genome position (GRCh38, 1-based): chr11:6,558,255, T>C. VCF-style: chr11-6558255-T-C. GRCh37 (hg19) VCF-style: chr11-6579485-T-C.
Other names: short protein forms L2987P.
Identifiers: ClinVar variation 724237 (VCV000724237.7), dbSNP rs116082386, ClinGen allele CA5856346.